The following is an entry in ClinVar:

ClinVar aggregate classification (germline): Uncertain significance. Review status: criteria provided, multiple submitters, no conflicts (2 of 4 stars). 2 submissions from 2 submitters: Uncertain significance (2). Last evaluated 2025-06-07.

Conditions:
Inborn genetic diseases. Identifiers: MedGen C0950123, MeSH D030342.

Submissions (2):

Ambry Genetics
Classification: Uncertain significance for Inborn genetic diseases. Last evaluated: 2025-06-07. Review status: criteria provided, single submitter. Criteria: Ambry Variant Classification Scheme 2023. Collection method: clinical testing. Allele origin: germline.
Comment: The p.Q22R variant (also known as c.65A>G), located in coding exon 1 of the RTEL1 gene, results from an A to G substitution at nucleotide position 65. The glutamine at codon 22 is replaced by arginine, an amino acid with highly similar properties. This amino acid position is conserved. In addition, this alteration is predicted to be tolerated by in silico analysis. Based on the available evidence, the clinical significance of this variant remains unclear.

Blueprint Genetics
Classification: Uncertain significance. Last evaluated: 2024-07-08. Review status: criteria provided, single submitter. Criteria: ACMG Guidelines, 2015. Collection method: clinical testing. Allele origin: germline.

NM_001283009.2(RTEL1):c.65A>G (p.Gln22Arg)

Genes: RTEL1 (regulator of telomere elongation helicase 1; plus strand), RTEL1-TNFRSF6B (RTEL1-TNFRSF6B readthrough (NMD candidate); plus strand). Cytogenetic location: 20q13.33.
Variant type: single nucleotide variant.
Coding change: c.65A>G on transcript NM_001283009.2 (MANE Select); coding-DNA position 65, A replaced by G.
Protein change: p.Gln22Arg; replaces glutamine 22 with arginine.
Molecular consequence: missense variant. On other transcripts: non-coding transcript variant (1), intron variant (1).
Genome position (GRCh38, 1-based): chr20:63,659,467, A>G. VCF-style: chr20-63659467-A-G. GRCh37 (hg19) VCF-style: chr20-62290820-A-G.
Other names: c.65A>G, p.Gln22Arg (NM_016434.4, NM_032957.5); c.-568+1008A>G (NM_001283010.1); short protein forms Q22R.
Identifiers: ClinVar variation 3948463 (VCV003948463.2).
Genomic context (GRCh38, chr20:63,659,467, plus strand): 5'-CCAAGATAGTCCTGAATGGTGTGACCGTAGACTTCCCTTTCCAGCCCTACAAATGCCAAC[A>G]GGAGTACATGACCAAGGTCCTGGAATGTCTGCAGCAGGTAGAGCACAGGCCCCGAGGAAA-3'
Protein context (NP_001269938.1, residues 12-32): DFPFQPYKCQ[Gln22Arg]EYMTKVLECL